The following is an entry in ClinVar:

NM_015512.5(DNAH1):c.10189C>T (p.Arg3397Trp)

Gene: DNAH1 (dynein axonemal heavy chain 1; plus strand). Cytogenetic location: 3p21.1.
Variant type: single nucleotide variant.
Coding change: c.10189C>T on transcript NM_015512.5 (MANE Select); coding-DNA position 10189, C replaced by T.
Protein change: p.Arg3397Trp; replaces arginine 3397 with tryptophan.
Molecular consequence: missense variant.
Genome position (GRCh38, 1-based): chr3:52,392,600, C>T. VCF-style: chr3-52392600-C-T. GRCh37 (hg19) VCF-style: chr3-52426616-C-T.
Other names: short protein forms R3397W.
Identifiers: ClinVar variation 3272542 (VCV003272542.2).

ClinVar aggregate classification (germline): Uncertain significance. Review status: criteria provided, multiple submitters, no conflicts (2 of 4 stars). 2 submissions from 2 submitters: Uncertain significance (2). Last evaluated 2025-10-08.

Conditions:
Spermatogenic failure 18. Identifiers: MedGen C4539783, MONDO:0054615, OMIM 617576.
Ciliary dyskinesia, primary, 37 (CILD37). Also called: CILIARY DYSKINESIA, PRIMARY, 37, WITH OR WITHOUT SITUS INVERSUS. Identifiers: MedGen C4539798, MONDO:0033204, OMIM 617577.

gnomAD v4.1: 30 of 1,613,766 alleles (0.0019%); highest among the groups gnomAD compares: South Asian, 0.025%; no homozygotes.

Submissions (2):

Labcorp Genetics (formerly Invitae), Labcorp
Classification: Uncertain significance for Ciliary dyskinesia, primary, 37; Spermatogenic failure 18. Last evaluated: 2025-10-08. Review status: criteria provided, single submitter. Criteria: Invitae Variant Classification Sherloc (09022015). Collection method: clinical testing. Allele origin: germline.
Comment: This sequence change replaces arginine, which is basic and polar, with tryptophan, which is neutral and slightly polar, at codon 3397 of the DNAH1 protein (p.Arg3397Trp). This variant is present in population databases (rs754394417, gnomAD 0.03%). This variant has not been reported in the literature in individuals affected with DNAH1-related conditions. ClinVar contains an entry for this variant (Variation ID: 3272542). Invitae Evidence Modeling of protein sequence and biophysical properties (such as structural, functional, and spatial information, amino acid conservation, physicochemical variation, residue mobility, and thermodynamic stability) indicates that this missense variant is expected to disrupt DNAH1 protein function with a positive predictive value of 80%. In summary, the available evidence is currently insufficient to determine the role of this variant in disease. Therefore, it has been classified as a Variant of Uncertain Significance.

Ambry Genetics
Classification: Uncertain significance. Last evaluated: 2024-05-10. Review status: criteria provided, single submitter. Criteria: Ambry Variant Classification Scheme 2023. Collection method: clinical testing. Allele origin: germline.